The following is an entry in ClinVar:

NM_001365677.2(P4HA2):c.1307A>G (p.Asn436Ser)

Gene: P4HA2 (prolyl 4-hydroxylase subunit alpha 2; minus strand). Cytogenetic location: 5q31.1.
Variant type: single nucleotide variant.
Coding change: c.1307A>G on transcript NM_001365677.2 (MANE Plus Clinical); coding-DNA position 1307, A replaced by G.
Protein change: p.Asn436Ser; replaces asparagine 436 with serine.
Molecular consequence: missense variant. On other transcripts: intron variant (6).
Genome position (GRCh38, 1-based): chr5:132,198,270, T>C on the plus strand (A>G on the coding strand, the complement: P4HA2 is on the minus strand). VCF-style: chr5-132198270-T-C. GRCh37 (hg19) VCF-style: chr5-131533963-T-C.
Other names: c.1307A>G, p.Asn436Ser (NM_001142599.2, NM_004199.3); c.1188+51A>G (NM_001365681.2); c.1365+51A>G (NM_001017974.2, NM_001142598.2, NM_001365680.2 and 2 more transcripts); short protein forms N436S.
Identifiers: ClinVar variation 708428 (VCV000708428.6), dbSNP rs150432961, ClinGen allele CA3402420.

ClinVar aggregate classification (germline): Likely benign. Review status: criteria provided, multiple submitters, no conflicts (2 of 4 stars). 3 submissions from 3 submitters: Likely benign (2). 1 of the submissions does not count toward it. Last evaluated 2018-06-18.

Conditions:
P4HA2-related disorder. Also called: P4HA2-related condition.

Allele frequency attached by ClinVar (database versions not stated): gnomAD exomes 0.00022 and 0.00058; ExAC 0.00064; 1000 Genomes Project 0.00240; gnomAD 0.00248 and 0.00269; 1000 Genomes Project 30x 0.00265; TOPMed 0.00273; ESP Exome Variant Server 0.00277.
gnomAD v4.1: 689 of 1,614,230 alleles (0.043%); highest among the groups gnomAD compares: African/African-American, 0.87%; 4 homozygotes.

Submissions (3):

Labcorp Genetics (formerly Invitae), Labcorp
Classification: Likely benign. Last evaluated: 2018-06-18. Review status: criteria provided, single submitter. Criteria: Invitae Variant Classification Sherloc (09022015). Collection method: clinical testing. Allele origin: germline.

Breakthrough Genomics
Classification: Likely benign. Review status: criteria provided, single submitter. Criteria: ACMG Guidelines, 2015. Collection method: not provided. Allele origin: germline. Inheritance: Autosomal dominant inheritance. Affected: yes.

PreventionGenetics, part of Exact Sciences
Classification: Benign for P4HA2-related condition. Last evaluated: 2019-06-06. Review status: no assertion criteria provided. Collection method: clinical testing. Allele origin: germline. Not counted in ClinVar's aggregate classification.
Comment: This variant is classified as benign based on ACMG/AMP sequence variant interpretation guidelines (Richards et al. 2015 PMID: 25741868, with internal and published modifications).